The following is an entry in ClinVar:

ClinVar aggregate classification (germline): Uncertain significance (1 of 4 stars; one submission).

Submission:

GeneDx
Classification: Uncertain significance. Last evaluated: 2025-09-16. Review status: criteria provided, single submitter. Criteria: GeneDx Variant Classification Process June 2021. Collection method: clinical testing. Allele origin: germline.
Comment: Not observed at significant frequency in large population cohorts (gnomAD); In silico analysis supports that this missense variant has a deleterious effect on protein structure/function; Has not been previously published as pathogenic or benign to our knowledge

NM_197968.4(ZMYM2):c.3895C>T (p.Pro1299Ser)

Gene: ZMYM2 (zinc finger MYM-type containing 2; plus strand). Cytogenetic location: 13q12.11.
Variant type: single nucleotide variant.
Coding change: c.3895C>T on transcript NM_197968.4 (MANE Select); coding-DNA position 3895, C replaced by T.
Protein change: p.Pro1299Ser; replaces proline 1299 with serine.
Molecular consequence: missense variant. On other transcripts: non-coding transcript variant (1).
Genome position (GRCh38, 1-based): chr13:20,083,730, C>T. VCF-style: chr13-20083730-C-T. GRCh37 (hg19) VCF-style: chr13-20657870-C-T.
Other names: c.3895C>T, p.Pro1299Ser (NM_001190964.4, NM_001190965.4, NM_001353157.2 and 4 more transcripts); c.3700C>T, p.Pro1234Ser (NM_001353161.3); c.3634C>T, p.Pro1212Ser (NM_001353163.2); short protein forms P1212S, P1234S, P1299S.
Identifiers: ClinVar variation 2573757 (VCV002573757.2), dbSNP rs2504653997, ClinGen allele CA387470177.